The following is an entry in ClinVar:

ClinVar aggregate classification (germline): Uncertain significance. Review status: criteria provided, multiple submitters, no conflicts (2 of 4 stars). 3 submissions from 3 submitters: Uncertain significance (3). Last evaluated 2025-09-24.

Conditions:
Hennekam lymphangiectasia-lymphedema syndrome 2 (HKLLS2). Identifiers: Orphanet 2136, MedGen C4014939, MONDO:0014454, OMIM 616006.
Van Maldergem syndrome 2 (VMLDS2). Identifiers: Orphanet 314679, MedGen C3809875, MONDO:0014242, OMIM 615546.
Inborn genetic diseases. Identifiers: MedGen C0950123, MeSH D030342.

Allele frequency attached by ClinVar (database versions not stated): gnomAD 0.00001; ExAC 0.00002; TOPMed 0.00001; gnomAD exomes 0.00002.
gnomAD v4.1: 12 of 1,557,314 alleles (0.00077%); highest among the groups gnomAD compares: Admixed American, 0.022%; no homozygotes.

Submissions (3):

Ambry Genetics
Classification: Uncertain significance for Inborn genetic diseases. Last evaluated: 2025-09-24. Review status: criteria provided, single submitter. Criteria: Ambry Variant Classification Scheme 2023. Collection method: clinical testing. Allele origin: germline.

Fulgent Genetics
Classification: Uncertain significance for Van Maldergem syndrome 2; Hennekam lymphangiectasia-lymphedema syndrome 2. Last evaluated: 2024-04-24. Review status: criteria provided, single submitter. Criteria: ACMG Guidelines, 2015. Collection method: clinical testing. Allele origin: germline.

Labcorp Genetics (formerly Invitae), Labcorp
Classification: Uncertain significance. Last evaluated: 2022-01-23. Review status: criteria provided, single submitter. Criteria: Invitae Variant Classification Sherloc (09022015). Collection method: clinical testing. Allele origin: germline.
Comment: In summary, the available evidence is currently insufficient to determine the role of this variant in disease. Therefore, it has been classified as a Variant of Uncertain Significance. Advanced modeling of protein sequence and biophysical properties (such as structural, functional, and spatial information, amino acid conservation, physicochemical variation, residue mobility, and thermodynamic stability) performed at Invitae indicates that this missense variant is not expected to disrupt FAT4 protein function. This variant has not been reported in the literature in individuals affected with FAT4-related conditions. This variant is present in population databases (rs762723349, gnomAD 0.03%). This sequence change replaces histidine, which is basic and polar, with proline, which is neutral and non-polar, at codon 4128 of the FAT4 protein (p.His4128Pro).

NM_001291303.3(FAT4):c.12389A>C (p.His4130Pro)

Gene: FAT4 (FAT atypical cadherin 4; plus strand). Cytogenetic location: 4q28.1.
Variant type: single nucleotide variant.
Coding change: c.12389A>C on transcript NM_001291303.3 (MANE Select); coding-DNA position 12389, A replaced by C.
Protein change: p.His4130Pro; replaces histidine 4130 with proline.
Molecular consequence: missense variant.
Genome position (GRCh38, 1-based): chr4:125,477,244, A>C. VCF-style: chr4-125477244-A-C. GRCh37 (hg19) VCF-style: chr4-126398399-A-C.
Other names: c.12389A>C, p.His4130Pro (NM_001291285.3); c.12383A>C, p.His4128Pro (NM_024582.6); c.12383A>C (NM_024582.5, NM_024582.4); short protein forms H4128P, H4130P.
Identifiers: ClinVar variation 1935061 (VCV001935061.5), dbSNP rs762723349, ClinGen allele CA3074081.